The following is an entry in ClinVar:

ClinVar aggregate classification (germline): Likely benign. Review status: criteria provided, multiple submitters, no conflicts (2 of 4 stars). 2 submissions from 2 submitters: Likely benign (2). Last evaluated 2025-12-15.

Conditions:
LYST-related disorder. Also called: LYST-related condition.
Chédiak-Higashi syndrome (CHS). Also called: Chediak-Higashi Syndrome. Identifiers: Orphanet 167, MedGen C0007965, MONDO:0008963, OMIM 214500.

Allele frequency attached by ClinVar (database versions not stated): TOPMed 0.00001; gnomAD 0.00002; gnomAD exomes 0.00002.
gnomAD v4.1: 29 of 1,613,236 alleles (0.0018%); highest among the groups gnomAD compares: Non-Finnish European, 0.0022%; no homozygotes.

Submissions (2):

Labcorp Genetics (formerly Invitae), Labcorp
Classification: Likely benign for Chédiak-Higashi syndrome. Last evaluated: 2025-12-15. Review status: criteria provided, single submitter. Criteria: Invitae Variant Classification Sherloc (09022015). Collection method: clinical testing. Allele origin: germline.

PreventionGenetics, part of Exact Sciences
Classification: Likely benign for LYST-related condition. Last evaluated: 2025-04-04. Review status: criteria provided, single submitter. Criteria: ACMG Guidelines, 2015. Collection method: clinical testing. Allele origin: germline.
Comment: This variant is classified as likely benign based on ACMG/AMP sequence variant interpretation guidelines (Richards et al. 2015 PMID: 25741868, with internal and published modifications).

NM_000081.4(LYST):c.9316-5T>C

Gene: LYST (lysosomal trafficking regulator; minus strand). Cytogenetic location: 1q42.3.
Variant type: single nucleotide variant.
Coding change: c.9316-5T>C on transcript NM_000081.4 (MANE Select); 5 bases into the intron before coding-DNA position 9316, T replaced by C.
Molecular consequence: intron variant.
Genome position (GRCh38, 1-based): chr1:235,720,910, A>G on the plus strand (T>C on the coding strand, the complement: LYST is on the minus strand). VCF-style: chr1-235720910-A-G. GRCh37 (hg19) VCF-style: chr1-235884210-A-G.
Other names: c.9316-5T>C (NM_001301365.1, NM_000081.3).
Identifiers: ClinVar variation 2044541 (VCV002044541.5), dbSNP rs1341493770, ClinGen allele CA529650116.